The following is an entry in ClinVar:

NM_001378454.1(ALMS1):c.4366T>G (p.Ser1456Ala)

Gene: ALMS1 (ALMS1 centrosome and basal body associated protein; plus strand). Cytogenetic location: 2p13.1.
Variant type: single nucleotide variant.
Coding change: c.4366T>G on transcript NM_001378454.1 (MANE Select); coding-DNA position 4366, T replaced by G.
Protein change: p.Ser1456Ala; replaces serine 1456 with alanine.
Molecular consequence: missense variant.
Genome position (GRCh38, 1-based): chr2:73,450,893, T>G. VCF-style: chr2-73450893-T-G. GRCh37 (hg19) VCF-style: chr2-73678020-T-G.
Other names: c.4369T>G, p.Ser1457Ala (NM_015120.4); short protein forms S1456A, S1457A.
Identifiers: ClinVar variation 3900772 (VCV003900772.2).
Genomic context (GRCh38, chr2:73,450,893, plus strand): 5'-GGTAGTTTCTACCAACAGGTCTTGCCACATAGTCATCTACCTGAAGAGGCTTTGGAAGTT[T>G]CAGTTGCTCCTGGACCAGTTGACCAGACGATTGGCACACCAACTGTAACCTCCCCTTCCA-3'
Protein context (NP_001365383.1, residues 1446-1466): SHLPEEALEV[Ser1456Ala]VAPGPVDQTI

ClinVar aggregate classification (germline): Uncertain significance. Review status: criteria provided, single submitter (1 of 4 stars). 2 submissions from 2 submitters: Uncertain significance (1). 1 of the submissions does not count toward it. Last evaluated 2024-12-02.

Conditions:
Alstrom syndrome (ALMS). Identifiers: Orphanet 64, MedGen C0268425, MONDO:0008763, OMIM 203800.

gnomAD v4.1: 4 of 1,614,126 alleles (0.00025%); highest among the groups gnomAD compares: Admixed American, 0.0067%; no homozygotes.

Submissions (2):

GeneDx
Classification: Uncertain significance. Last evaluated: 2024-12-02. Review status: criteria provided, single submitter. Criteria: GeneDx Variant Classification Process June 2021. Collection method: clinical testing. Allele origin: germline. Affected: yes.
Comment: Not observed at significant frequency in large population cohorts (gnomAD); In silico analysis indicates that this missense variant does not alter protein structure/function; Has not been previously published as pathogenic or benign to our knowledge

Natera, Inc.
Classification: Uncertain significance for Alstrom syndrome. Last evaluated: 2025-03-03. Review status: no assertion criteria provided. Collection method: clinical testing. Allele origin: germline. Not counted in ClinVar's aggregate classification.